The following is an entry in ClinVar:

ClinVar aggregate classification (germline): Uncertain significance (1 of 4 stars; one submission).

Submission:

Labcorp Genetics (formerly Invitae), Labcorp
Classification: Uncertain significance. Last evaluated: 2021-09-19. Review status: criteria provided, single submitter. Criteria: Invitae Variant Classification Sherloc (09022015). Collection method: clinical testing. Allele origin: germline.
Comment: This sequence change replaces glycine with arginine at codon 1441 of the MTOR protein (p.Gly1441Arg). The glycine residue is moderately conserved and there is a moderate physicochemical difference between glycine and arginine. This variant is not present in population databases (ExAC no frequency). This variant has not been reported in the literature in individuals affected with MTOR-related conditions. Advanced modeling of protein sequence and biophysical properties (such as structural, functional, and spatial information, amino acid conservation, physicochemical variation, residue mobility, and thermodynamic stability) performed at Invitae indicates that this missense variant is not expected to disrupt MTOR protein function. In summary, the available evidence is currently insufficient to determine the role of this variant in disease. Therefore, it has been classified as a Variant of Uncertain Significance.

NM_004958.4(MTOR):c.4321G>C (p.Gly1441Arg)

Gene: MTOR (mechanistic target of rapamycin kinase; minus strand). Cytogenetic location: 1p36.22.
Variant type: single nucleotide variant.
Coding change: c.4321G>C on transcript NM_004958.4 (MANE Select); coding-DNA position 4321, G replaced by C.
Protein change: p.Gly1441Arg; replaces glycine 1441 with arginine.
Molecular consequence: missense variant.
Genome position (GRCh38, 1-based): chr1:11,167,450, C>G on the plus strand (G>C on the coding strand, the complement: MTOR is on the minus strand). VCF-style: chr1-11167450-C-G. GRCh37 (hg19) VCF-style: chr1-11227507-C-G.
Other names: short protein forms G1441R.
Identifiers: ClinVar variation 1014724 (VCV001014724.6), dbSNP rs1644683111, ClinGen allele CA338375055.